The following is an entry in ClinVar:

NM_000552.5(VWF):c.7800C>A (p.Cys2600Ter)

Gene: VWF (von Willebrand factor; minus strand). Cytogenetic location: 12p13.31.
Variant type: single nucleotide variant.
Coding change: c.7800C>A on transcript NM_000552.5 (MANE Select); coding-DNA position 7800, C replaced by A.
Protein change: p.Cys2600Ter; replaces cysteine 2600 with a stop codon.
Molecular consequence: nonsense.
Genome position (GRCh38, 1-based): chr12:5,967,573, G>T on the plus strand (C>A on the coding strand, the complement: VWF is on the minus strand). VCF-style: chr12-5967573-G-T. GRCh37 (hg19) VCF-style: chr12-6076739-G-T.
Other names: short protein forms C2600*.
Identifiers: ClinVar variation 4687729 (VCV004687729.1).

ClinVar aggregate classification (germline): Pathogenic (1 of 4 stars; one submission).

Conditions:
von Willebrand disorder (VWD). Also called: von Willebrand Diseases; Von Willebrand disease (hereditary or acquired); von Willebrand's disease. Identifiers: MedGen C0042974, MeSH D014842, MONDO:0024574.

Submission:

Women's Health and Genetics/Laboratory Corporation of America, LabCorp
Classification: Pathogenic for von Willebrand disorder. Last evaluated: 2025-10-27. Review status: criteria provided, single submitter. Criteria: LabCorp Variant Classification Summary - May 2015. Collection method: clinical testing. Allele origin: germline.
Comment: Variant summary: VWF c.7800C>A (p.Cys2600X) results in a premature termination codon, predicted to cause a truncation of the encoded protein or absence of the protein due to nonsense mediated decay, which are commonly known mechanisms for disease. The variant was absent in 251262 control chromosomes. To our knowledge, no occurrence of c.7800C>A in individuals affected with VWF-related conditions and no experimental evidence demonstrating its impact on protein function have been reported. No submitters have cited clinical-significance assessments for this variant to ClinVar. Based on the evidence outlined above, the variant was classified as pathogenic.